The following is an entry in ClinVar:

ClinVar aggregate classification (germline): Uncertain significance (1 of 4 stars; one submission).

Conditions:
Cardiovascular phenotype. Identifiers: MedGen CN230736.
Hereditary cancer-predisposing syndrome. Also called: Neoplastic Syndromes, Hereditary; Tumor predisposition; Hereditary Cancer Syndrome; Hereditary neoplastic syndrome. Identifiers: Orphanet 140162, MedGen C0027672, MeSH D009386, MONDO:0015356.

Submission:

Ambry Genetics
Classification: Uncertain significance for Cardiovascular phenotype; Hereditary cancer-predisposing syndrome. Last evaluated: 2025-09-19. Review status: criteria provided, single submitter. Criteria: Ambry Variant Classification Scheme 2023. Collection method: clinical testing. Allele origin: germline.
Comment: The p.K2810E variant (also known as c.8428A>G), located in coding exon 57 of the NF1 gene, results from an A to G substitution at nucleotide position 8428. The lysine at codon 2810 is replaced by glutamic acid, an amino acid with similar properties. This amino acid position is highly conserved in available vertebrate species. In addition, the in silico prediction for this alteration is inconclusive. Based on the available evidence, the clinical significance of this variant remains unclear.

NM_001042492.3(NF1):c.8491A>G (p.Lys2831Glu)

Gene: NF1 (neurofibromin 1; plus strand). Cytogenetic location: 17q11.2.
Variant type: single nucleotide variant.
Coding change: c.8491A>G on transcript NM_001042492.3 (MANE Select); coding-DNA position 8491, A replaced by G.
Protein change: p.Lys2831Glu; replaces lysine 2831 with glutamic acid.
Molecular consequence: missense variant.
Genome position (GRCh38, 1-based): chr17:31,374,126, A>G. VCF-style: chr17-31374126-A-G. GRCh37 (hg19) VCF-style: chr17-29701144-A-G.
Other names: c.8428A>G, p.Lys2810Glu (NM_000267.4); short protein forms K2831E, K2810E.
Identifiers: ClinVar variation 4615716 (VCV004615716.1).